The following is an entry in ClinVar:

NM_006953.4(UPK3A):c.463C>T (p.Pro155Ser)

Gene: UPK3A (uroplakin 3A; plus strand). Cytogenetic location: 22q13.31.
Variant type: single nucleotide variant.
Coding change: c.463C>T on transcript NM_006953.4 (MANE Select); coding-DNA position 463, C replaced by T.
Protein change: p.Pro155Ser; replaces proline 155 with serine.
Molecular consequence: missense variant. On other transcripts: intron variant (1).
Genome position (GRCh38, 1-based): chr22:45,287,426, C>T. VCF-style: chr22-45287426-C-T. GRCh37 (hg19) VCF-style: chr22-45683307-C-T.
Other names: c.208+1330C>T (NM_001167574.2); short protein forms P155S.
Identifiers: ClinVar variation 3357808 (VCV003357808.2).
Genomic context (GRCh38, chr22:45,287,426, plus strand): 5'-AGGGTGGGTGCCAACGGGACCTGCCTGTGGGATCCCAACTTCCAGGGCCTCTGTAACGCA[C>T]CCCTGTCGGCAGCCACGGAGTACAGGTGGGTGTAAACAAACCACTACAGGAGAGCCGCGG-3'
Protein context (NP_008884.1, residues 145-165): DPNFQGLCNA[Pro155Ser]LSAATEYRFK

ClinVar aggregate classification (germline): Uncertain significance. Review status: criteria provided, single submitter (1 of 4 stars). 2 submissions from 2 submitters: Uncertain significance (1). 1 of the submissions does not count toward it. Last evaluated 2025-02-15.

Conditions:
UPK3A-related disorder. Also called: UPK3A-related condition.

gnomAD v4.1: 199 of 1,602,536 alleles (0.012%); highest among the groups gnomAD compares: Non-Finnish European, 0.016%; no homozygotes.

Submissions (2):

Ambry Genetics
Classification: Uncertain significance. Last evaluated: 2025-02-15. Review status: criteria provided, single submitter. Criteria: Ambry Variant Classification Scheme 2023. Collection method: clinical testing. Allele origin: germline.

PreventionGenetics, part of Exact Sciences
Classification: Uncertain significance for UPK3A-related condition. Last evaluated: 2024-06-26. Review status: no assertion criteria provided. Collection method: clinical testing. Allele origin: germline. Not counted in ClinVar's aggregate classification.
Comment: The UPK3A c.463C>T variant is predicted to result in the amino acid substitution p.Pro155Ser. To our knowledge, this variant has not been reported in the literature. This variant is reported in 0.022% of alleles in individuals of European (Non-Finnish) descent in gnomAD. At this time, the clinical significance of this variant is uncertain due to the absence of conclusive functional and genetic evidence.